The following is an entry in ClinVar:

NM_001199753.2(CPT1C):c.1669C>T (p.Arg557Ter)

Gene: CPT1C (carnitine palmitoyltransferase 1C; plus strand). Cytogenetic location: 19q13.33.
Variant type: single nucleotide variant.
Coding change: c.1669C>T on transcript NM_001199753.2 (MANE Select); coding-DNA position 1669, C replaced by T.
Protein change: p.Arg557Ter; replaces arginine 557 with a stop codon.
Molecular consequence: nonsense. On other transcripts: non-coding transcript variant (1).
Genome position (GRCh38, 1-based): chr19:49,710,422, C>T. VCF-style: chr19-49710422-C-T. GRCh37 (hg19) VCF-style: chr19-50213679-C-T.
Other names: c.1636C>T, p.Arg546Ter (NM_001136052.3, NM_001378485.1, NM_001378487.1); c.1669C>T, p.Arg557Ter (NM_001199752.3, NM_001378483.1, NM_001378484.1 and 3 more transcripts); c.1735C>T, p.Arg579Ter (NM_001378482.1); short protein forms R557*, R579*, R546*.
Identifiers: ClinVar variation 2085835 (VCV002085835.4), dbSNP rs748659009, ClinGen allele CA309517406.

ClinVar aggregate classification (germline): Pathogenic (1 of 4 stars; one submission).

Conditions:
Hereditary spastic paraplegia 73. Also called: Spastic paraplegia 73, autosomal dominant. Identifiers: Orphanet 444099, MedGen C5568981, MONDO:0014568, OMIM 616282.

gnomAD v4.1: 5 of 1,614,136 alleles (0.00031%); highest among the groups gnomAD compares: South Asian, 0.0022%; no homozygotes.

Submission:

Labcorp Genetics (formerly Invitae), Labcorp
Classification: Pathogenic for Hereditary spastic paraplegia 73. Last evaluated: 2022-07-24. Review status: criteria provided, single submitter. Criteria: Invitae Variant Classification Sherloc (09022015). Collection method: clinical testing. Allele origin: germline.
Comment: For these reasons, this variant has been classified as Pathogenic. This variant has not been reported in the literature in individuals affected with CPT1C-related conditions. This variant is present in population databases (no rsID available, gnomAD 0.003%). This sequence change creates a premature translational stop signal (p.Arg546*) in the CPT1C gene. It is expected to result in an absent or disrupted protein product. Loss-of-function variants in CPT1C are known to be pathogenic (PMID: 30564185, 30911584).

Literature cited by the submitters: PubMed 30564185; PubMed 30911584.